The following is an entry in ClinVar:

ClinVar aggregate classification (germline): Benign/Likely benign. Review status: criteria provided, multiple submitters, no conflicts (2 of 4 stars). 5 submissions from 5 submitters: Benign (1); Likely benign (3). 1 of the submissions does not count toward it. Last evaluated 2026-06-01.

Conditions:
Inborn genetic diseases. Identifiers: MedGen C0950123, MeSH D030342.
PMPCB-related disorder. Also called: PMPCB-related condition.

Allele frequency attached by ClinVar (database versions not stated): 1000 Genomes Project 30x 0.00016; 1000 Genomes Project 0.00020; gnomAD exomes 0.00201; gnomAD 0.00216 and 0.00233; ExAC 0.00225; ESP Exome Variant Server 0.00246.
gnomAD v4.1: 4,648 of 1,543,624 alleles (0.3%); highest among the groups gnomAD compares: Non-Finnish European, 0.38%; 13 homozygotes.

Submissions (5):

CeGaT Center for Human Genetics Tuebingen
Classification: Likely benign. Last evaluated: 2026-06-01. Review status: criteria provided, single submitter. Criteria: CeGaT Center For Human Genetics Tuebingen Variant Classification Criteria Version 2. Collection method: clinical testing. Allele origin: germline. Affected: yes. Observed: 5 variant alleles.
Comment: PMPCB: BS2

Labcorp Genetics (formerly Invitae), Labcorp
Classification: Benign. Last evaluated: 2026-01-01. Review status: criteria provided, single submitter. Criteria: Invitae Variant Classification Sherloc (09022015). Collection method: clinical testing. Allele origin: germline.

Ambry Genetics
Classification: Likely benign for Inborn genetic diseases. Last evaluated: 2022-04-08. Review status: criteria provided, single submitter. Criteria: Ambry Variant Classification Scheme 2023. Collection method: clinical testing. Allele origin: germline.

Breakthrough Genomics
Classification: Likely benign. Review status: criteria provided, single submitter. Criteria: ACMG Guidelines, 2015. Collection method: not provided. Allele origin: germline. Inheritance: Autosomal recessive inheritance. Affected: yes.

PreventionGenetics, part of Exact Sciences
Classification: Likely benign for PMPCB-related condition. Last evaluated: 2023-02-09. Review status: no assertion criteria provided. Collection method: clinical testing. Allele origin: germline. Not counted in ClinVar's aggregate classification.
Comment: This variant is classified as likely benign based on ACMG/AMP sequence variant interpretation guidelines (Richards et al. 2015 PMID: 25741868, with internal and published modifications).

NM_004279.3(PMPCB):c.8C>T (p.Ala3Val)

Genes: PMPCB (peptidase, mitochondrial processing subunit beta; plus strand), LOC129999056 (ATAC-STARR-seq lymphoblastoid active region 26441; plus strand). Cytogenetic location: 7q22.1.
Variant type: single nucleotide variant.
Coding change: c.8C>T on transcript NM_004279.3 (MANE Select); coding-DNA position 8, C replaced by T.
Protein change: p.Ala3Val; replaces alanine 3 with valine.
Molecular consequence: missense variant.
Genome position (GRCh38, 1-based): chr7:103,297,467, C>T. VCF-style: chr7-103297467-C-T. GRCh37 (hg19) VCF-style: chr7-102937914-C-T.
Other names: c.8C>T (NM_004279.2); short protein forms A3V.
Identifiers: ClinVar variation 1335687 (VCV001335687.43), dbSNP rs138251541, ClinGen allele CA4417770.